The following is an entry in ClinVar:

NM_003070.5(SMARCA2):c.177G>A (p.Thr59=)

Gene: SMARCA2 (SWI/SNF related BAF chromatin remodeling complex subunit ATPase 2; plus strand). Cytogenetic location: 9p24.3.
Variant type: single nucleotide variant.
Coding change: c.177G>A on transcript NM_003070.5 (MANE Select); coding-DNA position 177, G replaced by A.
Protein change: p.Thr59=; no amino-acid change (threonine 59 retained).
Molecular consequence: synonymous variant.
Genome position (GRCh38, 1-based): chr9:2,029,199, G>A. VCF-style: chr9-2029199-G-A. GRCh37 (hg19) VCF-style: chr9-2029199-G-A.
Other names: p.Thr59=; c.177G>A, p.Thr59= (NM_001289396.2, NM_001289397.2, NM_139045.4).
Identifiers: ClinVar variation 126344 (VCV000126344.26), dbSNP rs10964471, ClinGen allele CA151083.

ClinVar aggregate classification (germline): Benign. Review status: criteria provided, multiple submitters, no conflicts (2 of 4 stars). 7 submissions from 7 submitters: Benign (7). Last evaluated 2026-02-03.

Conditions:
Inborn genetic diseases. Identifiers: MedGen C0950123, MeSH D030342.
Nicolaides-Baraitser syndrome (NCBRS). Also called: SMARCA2-Related Nicolaides-Baraitser Syndrome; Intellectual disability-sparse hair-brachydactyly syndrome. Identifiers: Orphanet 3051, MedGen C1303073, MONDO:0011053, OMIM 601358.

Allele frequency attached by ClinVar (database versions not stated): ESP Exome Variant Server 0.06658; 1000 Genomes Project 30x 0.10431; gnomAD 0.08917; 1000 Genomes Project 0.10863; TOPMed 0.07837.
gnomAD v4.1: 150,936 of 1,613,014 alleles (9.4%); highest among the groups gnomAD compares: East Asian, 23%; 8,089 homozygotes.

Submissions (7):

Labcorp Genetics (formerly Invitae), Labcorp
Classification: Benign. Last evaluated: 2026-02-03. Review status: criteria provided, single submitter. Criteria: Invitae Variant Classification Sherloc (09022015). Collection method: clinical testing. Allele origin: germline.

Mayo Clinic Laboratories, Mayo Clinic
Classification: Benign. Last evaluated: 2021-11-29. Review status: criteria provided, single submitter. Criteria: ACMG Guidelines, 2015. Collection method: clinical testing. Allele origin: germline. Observed: 34 variant alleles.

GeneDx
Classification: Benign. Last evaluated: 2018-08-08. Review status: criteria provided, single submitter. Criteria: GeneDx Variant Classification Process June 2021. Collection method: clinical testing. Allele origin: germline. Affected: yes.

Illumina Laboratory Services, Illumina
Classification: Benign for Nicolaides-Baraitser syndrome. Last evaluated: 2018-01-12. Review status: criteria provided, single submitter. Criteria: ICSL Variant Classification Criteria 13 December 2019. Collection method: clinical testing. Allele origin: germline.
Comment: This variant was observed in the ICSL laboratory as part of a predisposition screen in an ostensibly healthy population. It had not been previously curated by ICSL or reported in the Human Gene Mutation Database (HGMD: prior to June 1st, 2018), and was therefore a candidate for classification through an automated scoring system. Utilizing variant allele frequency, disease prevalence and penetrance estimates, and inheritance mode, an automated score was calculated to assess if this variant is too frequent to cause the disease. Based on the score and internal cut-off values, a variant classified as benign is not then subjected to further curation. The score for this variant resulted in a classification of benign for this disease.

Ambry Genetics
Classification: Benign for Inborn genetic diseases. Last evaluated: 2016-03-19. Review status: criteria provided, single submitter. Criteria: Ambry Variant Classification Scheme 2023. Collection method: clinical testing. Allele origin: germline.

Genetic Services Laboratory, University of Chicago
Classification: Benign for AllHighlyPenetrant. Last evaluated: 2013-08-15. Review status: criteria provided, single submitter. Criteria: ACMG Guidelines, 2007. Collection method: clinical testing. Allele origin: germline. Inheritance: Autosomal dominant inheritance. Observed: 14 variant alleles.

Breakthrough Genomics
Classification: Benign. Review status: criteria provided, single submitter. Criteria: ACMG Guidelines, 2015. Collection method: not provided. Allele origin: germline. Inheritance: Autosomal dominant inheritance. Affected: yes.